The following is an entry in ClinVar:

ClinVar aggregate classification (germline): Pathogenic (1 of 4 stars; one submission).

Conditions:
Autosomal recessive limb-girdle muscular dystrophy type 2O. Also called: Limb-Girdle Muscular Dystrophy Type 3C; MUSCULAR DYSTROPHY-DYSTROGLYCANOPATHY (LIMB-GIRDLE), TYPE C, 3; MUSCULAR DYSTROPHY-DYSTROGLYCANOPATHY, LIMB-GIRDLE, POMGNT1-RELATED. Identifiers: Orphanet 206564, MedGen C3150417, MONDO:0013161, OMIM 613157.
Muscular dystrophy-dystroglycanopathy (congenital with impaired intellectual development), type B, 3. Also called: MUSCULAR DYSTROPHY, CONGENITAL, POMGNT1-RELATED; Muscular dystrophy-dystroglycanopathy (congenital with intellectual disability), type B3. Identifiers: MedGen C3150412, MONDO:0013155, OMIM 613151.

Submission:

Labcorp Genetics (formerly Invitae), Labcorp
Classification: Pathogenic for Autosomal recessive limb-girdle muscular dystrophy type 2O; Muscular dystrophy-dystroglycanopathy (congenital with impaired intellectual development), type B, 3. Last evaluated: 2021-07-07. Review status: criteria provided, single submitter. Criteria: Invitae Variant Classification Sherloc (09022015). Collection method: clinical testing. Allele origin: germline.
Comment: This variant has not been reported in the literature in individuals affected with POMGNT1-related conditions. This sequence change creates a premature translational stop signal (p.Ala189*) in the POMGNT1 gene. It is expected to result in an absent or disrupted protein product. Loss-of-function variants in POMGNT1 are known to be pathogenic (PMID: 19299310, 20816175, 21447391, 26908613, 27391550). This variant is not present in population databases (ExAC no frequency). For these reasons, this variant has been classified as Pathogenic.

Literature cited by the submitters: PubMed 19299310; PubMed 20816175; PubMed 21447391; PubMed 26908613; PubMed 27391550.

NM_017739.4(POMGNT1):c.564_576del (p.Thr188_Ala189insTer)

Genes: POMGNT1 (protein O-linked mannose N-acetylglucosaminyltransferase 1 (beta 1,2-); minus strand), TSPAN1 (tetraspanin 1; plus strand). Cytogenetic location: 1p34.1.
Variant type: Deletion.
Coding change: c.564_576del on transcript NM_017739.4 (MANE Select); coding-DNA positions 564 to 576, 13 bases deleted (AGCCAAGGCTCTG).
Protein change: p.Thr188_Ala189insTer.
Molecular consequence: frameshift variant. On other transcripts: nonsense (1).
Genome position (GRCh38, 1-based): chr1:46,194,920-46,194,932, CAGAGCCTTGGCT deleted on the plus strand (AGCCAAGGCTCTG on the coding strand, the reverse complement: POMGNT1 is on the minus strand). VCF-style (leftmost placement, unchanged base first): chr1-46194919-GCAGAGCCTTGGCT-G. GRCh37 (hg19) VCF-style: chr1-46660591-GCAGAGCCTTGGCT-G.
Other names: c.564_576del, p.Thr188_Ala189insTer (NM_001243766.2, NM_001410783.1); c.498_510delAGCCAAGGCTCTG, p.Ala167Terfs (NM_001290129.3); c.135_147del, p.Thr45_Ala46insTer (NM_001290130.2).
Identifiers: ClinVar variation 1373868 (VCV001373868.6), dbSNP rs2148205473, ClinGen allele CA2573131995.